The following is an entry in ClinVar:

ClinVar aggregate classification (germline): Conflicting classifications of pathogenicity. Review status: criteria provided, conflicting classifications (1 of 4 stars). 2 submissions from 2 submitters: Likely pathogenic (1); Uncertain significance (1). Last evaluated 2023-12-22.

Conditions:
Myofibrillar myopathy 5. Also called: Filaminopathy (type); FILAMINOPATHY, AUTOSOMAL DOMINANT. Identifiers: Orphanet 171445, MedGen C1836050, MONDO:0012289, OMIM 609524.
Hypertrophic cardiomyopathy 26. Also called: Cardiomyopathy, familial hypertrophic, 26. Identifiers: Orphanet 75249, MedGen C4310749, MONDO:0014883, OMIM 617047.
Distal myopathy with posterior leg and anterior hand involvement. Also called: WILLIAMS DISTAL MYOPATHY. Identifiers: Orphanet 63273, MedGen C3279722, MONDO:0013550, OMIM 614065.

Submissions (2):

Labcorp Genetics (formerly Invitae), Labcorp
Classification: Uncertain significance for Distal myopathy with posterior leg and anterior hand involvement; Myofibrillar myopathy 5; Hypertrophic cardiomyopathy 26. Last evaluated: 2023-12-22. Review status: criteria provided, single submitter. Criteria: Invitae Variant Classification Sherloc (09022015). Collection method: clinical testing. Allele origin: germline.
Comment: This sequence change replaces proline, which is neutral and non-polar, with leucine, which is neutral and non-polar, at codon 237 of the FLNC protein (p.Pro237Leu). This variant is not present in population databases (gnomAD no frequency). This variant has not been reported in the literature in individuals affected with FLNC-related conditions. ClinVar contains an entry for this variant (Variation ID: 802366). Advanced modeling of protein sequence and biophysical properties (such as structural, functional, and spatial information, amino acid conservation, physicochemical variation, residue mobility, and thermodynamic stability) has been performed at Invitae for this missense variant, however the output from this modeling did not meet the statistical confidence thresholds required to predict the impact of this variant on FLNC protein function. In summary, the available evidence is currently insufficient to determine the role of this variant in disease. Therefore, it has been classified as a Variant of Uncertain Significance.

Mendelics
Classification: Likely pathogenic for Myofibrillar myopathy 5. Last evaluated: 2019-05-28. Review status: criteria provided, single submitter. Criteria: Mendelics Assertion Criteria 2017. Collection method: clinical testing. Allele origin: unknown.

NM_001458.5(FLNC):c.710C>T (p.Pro237Leu)

Gene: FLNC (filamin C; plus strand). Cytogenetic location: 7q32.1.
Variant type: single nucleotide variant.
Coding change: c.710C>T on transcript NM_001458.5 (MANE Select); coding-DNA position 710, C replaced by T.
Protein change: p.Pro237Leu; replaces proline 237 with leucine.
Molecular consequence: missense variant.
Genome position (GRCh38, 1-based): chr7:128,837,408, C>T. VCF-style: chr7-128837408-C-T. GRCh37 (hg19) VCF-style: chr7-128477462-C-T.
Other names: c.710C>T, p.Pro237Leu (NM_001127487.2); short protein forms P237L.
Identifiers: ClinVar variation 802366 (VCV000802366.4), dbSNP rs1585152751, ClinGen allele CA369221900.